The following is an entry in ClinVar:

ClinVar aggregate classification (germline): Uncertain significance (1 of 4 stars; one submission).

Submission:

GeneDx
Classification: Uncertain significance. Last evaluated: 2023-07-26. Review status: criteria provided, single submitter. Criteria: GeneDx Variant Classification Process June 2021. Collection method: clinical testing. Allele origin: germline. Affected: yes.
Comment: Not observed at significant frequency in large population cohorts (gnomAD); Canonical splice site variant in a gene or region of a gene for which loss of function is not a well-established mechanism of disease; Has not been previously published as pathogenic or benign to our knowledge

NM_021625.5(TRPV4):c.1659-1G>T

Gene: TRPV4 (transient receptor potential cation channel subfamily V member 4; minus strand). Cytogenetic location: 12q24.11.
Variant type: single nucleotide variant.
Coding change: c.1659-1G>T on transcript NM_021625.5 (MANE Select); the canonical splice acceptor site of the intron before coding-DNA position 1659, G replaced by T.
Molecular consequence: splice acceptor variant.
Genome position (GRCh38, 1-based): chr12:109,792,818, C>A on the plus strand (G>T on the coding strand, the complement: TRPV4 is on the minus strand). VCF-style: chr12-109792818-C-A. GRCh37 (hg19) VCF-style: chr12-110230623-C-A.
Other names: c.1338-1G>T (NM_001177433.1); c.1518-1G>T (NM_001177428.1); c.1479-1G>T (NM_147204.2); c.1557-1G>T (NM_001177431.1).
Identifiers: ClinVar variation 3361659 (VCV003361659.1).